The following is an entry in ClinVar:

NM_003664.5(AP3B1):c.387A>T (p.Gln129His)

Gene: AP3B1 (adaptor related protein complex 3 subunit beta 1; minus strand). Cytogenetic location: 5q14.1.
Variant type: single nucleotide variant.
Coding change: c.387A>T on transcript NM_003664.5 (MANE Select); coding-DNA position 387, A replaced by T.
Protein change: p.Gln129His; replaces glutamine 129 with histidine.
Molecular consequence: missense variant.
Genome position (GRCh38, 1-based): chr5:78,227,521, T>A on the plus strand (A>T on the coding strand, the complement: AP3B1 is on the minus strand). VCF-style: chr5-78227521-T-A. GRCh37 (hg19) VCF-style: chr5-77523345-T-A.
Other names: c.240A>T, p.Gln80His (NM_001271769.2); short protein forms Q80H, Q129H.
Identifiers: ClinVar variation 1503367 (VCV001503367.8), dbSNP rs1229682546, ClinGen allele CA360191624.
Genomic context (GRCh38, chr5:78,227,521, plus strand): 5'-AGGTACAATAATTGGCACTCTAATACTTGACAGAACTCTCAAAGCGCTTGCACGAATTAG[T>A]TGGTTTGGGTCCTAAAAATAGTGCAAAAATATTCACCAAAATTTCAACTTTACAATATTT-3'
Protein context (NP_003655.3, residues 119-139): TFQRALKDPN[Gln129His]LIRASALRVL

ClinVar aggregate classification (germline): Uncertain significance (1 of 4 stars; one submission).

Conditions:
Hermansky-Pudlak syndrome 2 (HPS2). Also called: Platelet defects and oculocutaneous albinism. Identifiers: Orphanet 183678, Orphanet 79430, MedGen C1842362, MONDO:0011997, OMIM 608233.

gnomAD v4.1: 12 of 1,613,680 alleles (0.00074%); highest among the groups gnomAD compares: Non-Finnish European, 0.001%; no homozygotes.

Submission:

Labcorp Genetics (formerly Invitae), Labcorp
Classification: Uncertain significance for Hermansky-Pudlak syndrome 2. Last evaluated: 2024-02-24. Review status: criteria provided, single submitter. Criteria: Invitae Variant Classification Sherloc (09022015). Collection method: clinical testing. Allele origin: germline.
Comment: This sequence change replaces glutamine, which is neutral and polar, with histidine, which is basic and polar, at codon 129 of the AP3B1 protein (p.Gln129His). This variant is not present in population databases (gnomAD no frequency). This variant has not been reported in the literature in individuals affected with AP3B1-related conditions. ClinVar contains an entry for this variant (Variation ID: 1503367). An algorithm developed to predict the effect of missense changes on protein structure and function (PolyPhen-2) suggests that this variant is likely to be disruptive. In summary, the available evidence is currently insufficient to determine the role of this variant in disease. Therefore, it has been classified as a Variant of Uncertain Significance.